The following is an entry in ClinVar:

ClinVar aggregate classification (germline): Pathogenic (1 of 4 stars; one submission).

Submission:

CeGaT Center for Human Genetics Tuebingen
Classification: Pathogenic. Last evaluated: 2026-08-01. Review status: criteria provided, single submitter. Criteria: CeGaT Center For Human Genetics Tuebingen Variant Classification Criteria Version 2. Collection method: clinical testing. Allele origin: germline. Affected: yes. Observed: 1 variant allele.
Comment: KMT2E: PVS1, PM2, PS2:Moderate

NM_182931.3(KMT2E):c.3053_3054insCT (p.Glu1018fs)

Gene: KMT2E (lysine methyltransferase 2E (inactive); plus strand). Cytogenetic location: 7q22.3.
Variant type: Insertion.
Coding change: c.3053_3054insCT on transcript NM_182931.3 (MANE Select); coding-DNA positions 3053 to 3054, CT inserted.
Protein change: p.Glu1018fs; shifts the reading frame from glutamic acid 1018.
Molecular consequence: frameshift variant.
Genome position: GRCh38 VCF-style: chr7-105107510-A-ACT. GRCh37 (hg19) VCF-style: chr7-104747957-A-ACT.
Other names: c.3053_3054insCT, p.Glu1018fs (NM_001410908.1, NM_018682.4); short protein forms E1018fs.
Identifiers: ClinVar variation 4535150 (VCV004535150.6).